The following is an entry in ClinVar:

ClinVar aggregate classification (germline): Likely benign. Review status: criteria provided, multiple submitters, no conflicts (2 of 4 stars). 3 submissions from 3 submitters: Likely benign (3). Last evaluated 2025-01-23.

Conditions:
Hereditary nonpolyposis colorectal neoplasms. Identifiers: MedGen C0009405, MeSH D003123.
Lynch syndrome 4 (LYNCH4). Also called: Colorectal cancer, hereditary nonpolyposis, type 4; Hereditary non-polyposis colorectal cancer, type 4. Identifiers: Orphanet 144, MedGen C1838333, MONDO:0013699, OMIM 614337. Disease mechanism: loss of function.

Allele frequency attached by ClinVar (database versions not stated): TOPMed 0.00001.

Submissions (3):

Myriad Genetics, Inc.
Classification: Likely benign for Lynch syndrome 4. Last evaluated: 2025-01-23. Review status: criteria provided, single submitter. Criteria: Myriad Autosomal Dominant, Autosomal Recessive and X-Linked Classification Criteria (2023). Collection method: clinical testing. Allele origin: unknown.
Comment: This variant is considered likely benign. This variant is intronic and is not expected to impact mRNA splicing.

Labcorp Genetics (formerly Invitae), Labcorp
Classification: Likely benign for Hereditary nonpolyposis colorectal neoplasms. Last evaluated: 2019-08-20. Review status: criteria provided, single submitter. Criteria: Invitae Variant Classification Sherloc (09022015). Collection method: clinical testing. Allele origin: germline.

GeneDx
Classification: Likely benign. Last evaluated: 2016-05-11. Review status: criteria provided, single submitter. Criteria: GeneDx Variant Classification (06012015). Collection method: clinical testing. Allele origin: germline. Affected: yes.
Comment: This variant is considered likely benign or benign based on one or more of the following criteria: it is a conservative change, it occurs at a poorly conserved position in the protein, it is predicted to be benign by multiple in silico algorithms, and/or has population frequency not consistent with disease.

NM_000535.7(PMS2):c.23+7G>A

Gene: PMS2 (PMS1 homolog 2, mismatch repair system component; minus strand). Cytogenetic location: 7p22.1.
Variant type: single nucleotide variant.
Coding change: c.23+7G>A on transcript NM_000535.7 (MANE Select); 7 bases into the intron after coding-DNA position 23, G replaced by A.
Molecular consequence: intron variant. On other transcripts: 5 prime UTR variant (2).
Genome position (GRCh38, 1-based): chr7:6,008,990, C>T on the plus strand (G>A on the coding strand, the complement: PMS2 is on the minus strand). VCF-style: chr7-6008990-C-T. GRCh37 (hg19) VCF-style: chr7-6048621-C-T.
Other names: c.-566G>A (NM_001322005.2); c.-561G>A (NM_001322009.2); c.-53+7G>A (NM_001322008.2); c.-243+7G>A (NM_001322010.2, NM_001322004.2); c.-378+7G>A (NM_001322013.2, NM_001322003.2); c.-857+7G>A (NM_001322012.2); c.-457+7G>A (NM_001322015.2); c.-193+7G>A (NM_001322007.2); and 2 more.
Identifiers: ClinVar variation 237906 (VCV000237906.12), dbSNP rs878854047, ClinGen allele CA10582534.
Genomic context (GRCh38, chr7:6,008,990, plus strand): 5'-TGGAATGCCGTGGGTCTCAAAGAGGGCGCGCGAGAGGGGACACCGGAAGACTGCGAGCCC[C>T]GCTCACCTCGAGCTCTCAGCTCGCTCCATGGATGCAACACCCGATCCGCCTCGGGGACTG-3'